The following is an entry in ClinVar:

NM_000214.3(JAG1):c.1205del (p.Pro402fs)

Gene: JAG1 (jagged canonical Notch ligand 1; minus strand). Cytogenetic location: 20p12.2.
Variant type: Deletion.
Coding change: c.1205del on transcript NM_000214.3 (MANE Select); coding-DNA position 1205, one base deleted (C; older notation c.1205delC).
Protein change: p.Pro402fs; shifts the reading frame from proline 402.
Molecular consequence: frameshift variant.
Genome position (GRCh38, 1-based): chr20:10,650,276, G deleted on the plus strand (C on the coding strand, the reverse complement: JAG1 is on the minus strand); the first of 6 consecutive G bases (chr20:10,650,276-10,650,281); deleting any one gives the same sequence. VCF-style (leftmost placement, unchanged base first): chr20-10650275-TG-T. GRCh37 (hg19) VCF-style: chr20-10630923-TG-T.
Other names: short protein forms P402fs.
Identifiers: ClinVar variation 1385173 (VCV001385173.6), dbSNP rs35615084, ClinGen allele CA2573156856.

ClinVar aggregate classification (germline): Pathogenic (1 of 4 stars; one submission).

Conditions:
Alagille syndrome due to a JAG1 point mutation. Also called: HEPATIC DUCTULAR HYPOPLASIA, SYNDROMATIC; Alagille Syndrome 1; JAG1-Related Alagille Syndrome. Identifiers: Orphanet 261619, Orphanet 52, MedGen C1956125, MONDO:0016862, OMIM 118450.

Submission:

Labcorp Genetics (formerly Invitae), Labcorp
Classification: Pathogenic for Alagille syndrome due to a JAG1 point mutation. Last evaluated: 2023-08-01. Review status: criteria provided, single submitter. Criteria: Invitae Variant Classification Sherloc (09022015). Collection method: clinical testing. Allele origin: germline.
Comment: This sequence change creates a premature translational stop signal (p.Pro402Hisfs*10) in the JAG1 gene. It is expected to result in an absent or disrupted protein product. Loss-of-function variants in JAG1 are known to be pathogenic (PMID: 11180599). This variant is not present in population databases (gnomAD no frequency). This premature translational stop signal has been observed in individual(s) with Alagille syndrome (PMID: 22488849). In at least one individual the variant was observed to be de novo. ClinVar contains an entry for this variant (Variation ID: 1385173). For these reasons, this variant has been classified as Pathogenic.

Literature cited by the submitters: PubMed 11180599; PubMed 22488849.